The following is an entry in ClinVar:

NM_032776.3(JMJD1C):c.1154A>G (p.Asn385Ser)

Gene: JMJD1C (jumonji domain containing 1C; minus strand). Cytogenetic location: 10q21.3.
Variant type: single nucleotide variant.
Coding change: c.1154A>G on transcript NM_032776.3 (MANE Select); coding-DNA position 1154, A replaced by G.
Protein change: p.Asn385Ser; replaces asparagine 385 with serine.
Molecular consequence: missense variant. On other transcripts: non-coding transcript variant (1).
Genome position (GRCh38, 1-based): chr10:63,215,013, T>C on the plus strand (A>G on the coding strand, the complement: JMJD1C is on the minus strand). VCF-style: chr10-63215013-T-C. GRCh37 (hg19) VCF-style: chr10-64974773-T-C.
Other names: c.608A>G, p.Asn203Ser (NM_001282948.2, NM_001318154.2); c.290A>G, p.Asn97Ser (NM_001318153.2); c.1040A>G, p.Asn347Ser (NM_001322252.2); c.497A>G, p.Asn166Ser (NM_001322254.2, NM_001322258.2); short protein forms N385S, N203S, N347S, N166S, N97S.
Identifiers: ClinVar variation 2727412 (VCV002727412.3), dbSNP rs2492790448, ClinGen allele CA377050438.
Genomic context (GRCh38, chr10:63,215,013, plus strand): 5'-TTTTTATTTTTCAATTCATTCTCTGGCTTCTGTTCTGAGGAATTATCTATTATTCTCTTA[T>C]TTGAATTTTCTGAGTCACTGCTCTCAGAAAAGTCTGAAACATTGTCAGTTCGAAGTCTTT-3'
Protein context (NP_116165.1, residues 375-395): FSESSDSENS[Asn385Ser]KRIIDNSSEQ

ClinVar aggregate classification (germline): Uncertain significance (1 of 4 stars; one submission).

Conditions:
Early Myoclonic Encephalopathy. Identifiers: MedGen C0270855.

Allele frequency attached by ClinVar (database versions not stated): gnomAD exomes below 0.00001.
gnomAD v4.1: 2 of 1,603,266 alleles (0.00012%); highest among the groups gnomAD compares: Non-Finnish European, 0.00017%; no homozygotes.

Submission:

Labcorp Genetics (formerly Invitae), Labcorp
Classification: Uncertain significance for Early Myoclonic Encephalopathy. Last evaluated: 2025-03-23. Review status: criteria provided, single submitter. Criteria: Invitae Variant Classification Sherloc (09022015). Collection method: clinical testing. Allele origin: germline.
Comment: This sequence change replaces asparagine, which is neutral and polar, with serine, which is neutral and polar, at codon 385 of the JMJD1C protein (p.Asn385Ser). This variant is not present in population databases (gnomAD no frequency). This variant has not been reported in the literature in individuals affected with JMJD1C-related conditions. ClinVar contains an entry for this variant (Variation ID: 2727412). Invitae Evidence Modeling of protein sequence and biophysical properties (such as structural, functional, and spatial information, amino acid conservation, physicochemical variation, residue mobility, and thermodynamic stability) indicates that this missense variant is not expected to disrupt JMJD1C protein function with a negative predictive value of 80%. Algorithms developed to predict the effect of sequence changes on RNA splicing suggest that this variant may create or strengthen a splice site. In summary, the available evidence is currently insufficient to determine the role of this variant in disease. Therefore, it has been classified as a Variant of Uncertain Significance.